The following is an entry in ClinVar:

ClinVar aggregate classification (germline): Pathogenic (1 of 4 stars; one submission).

Submission:

Labcorp Genetics (formerly Invitae), Labcorp
Classification: Pathogenic. Last evaluated: 2023-11-20. Review status: criteria provided, single submitter. Criteria: Invitae Variant Classification Sherloc (09022015). Collection method: clinical testing. Allele origin: germline.
Comment: This sequence change creates a premature translational stop signal (p.Tyr863*) in the MYO7A gene. It is expected to result in an absent or disrupted protein product. Loss-of-function variants in MYO7A are known to be pathogenic (PMID: 8900236, 25404053). This variant is not present in population databases (gnomAD no frequency). This variant has not been reported in the literature in individuals affected with MYO7A-related conditions. For these reasons, this variant has been classified as Pathogenic.

Literature cited by the submitters: PubMed 8900236; PubMed 25404053.

NM_000260.4(MYO7A):c.2589T>A (p.Tyr863Ter)

Gene: MYO7A (myosin VIIA; plus strand). Cytogenetic location: 11q13.5.
Variant type: single nucleotide variant.
Coding change: c.2589T>A on transcript NM_000260.4 (MANE Select); coding-DNA position 2589, T replaced by A.
Protein change: p.Tyr863Ter; replaces tyrosine 863 with a stop codon.
Molecular consequence: nonsense.
Genome position (GRCh38, 1-based): chr11:77,180,376, T>A. VCF-style: chr11-77180376-T-A. GRCh37 (hg19) VCF-style: chr11-76891422-T-A.
Other names: c.2589T>A, p.Tyr863Ter (NM_001127180.2); c.2556T>A, p.Tyr852Ter (NM_001369365.1); short protein forms Y852*, Y863*.
Identifiers: ClinVar variation 2764169 (VCV002764169.3), dbSNP rs2497185658, ClinGen allele CA381942151.